The following is an entry in ClinVar:

ClinVar aggregate classification (germline): Uncertain significance (1 of 4 stars; one submission).

Conditions:
Hereditary cancer-predisposing syndrome. Also called: Hereditary Cancer Syndrome; Neoplastic Syndromes, Hereditary; Tumor predisposition; Hereditary neoplastic syndrome. Identifiers: Orphanet 140162, MedGen C0027672, MeSH D009386, MONDO:0015356.

Allele frequency attached by ClinVar (database versions not stated): gnomAD exomes below 0.00001.
gnomAD v4.1: 1 of 1,613,462 alleles (0.000062%); highest among the groups gnomAD compares: East Asian, 0.0022%; no homozygotes.

Submission:

Ambry Genetics
Classification: Uncertain significance for Hereditary cancer-predisposing syndrome. Last evaluated: 2021-09-08. Review status: criteria provided, single submitter. Criteria: Ambry Variant Classification Scheme 2023. Collection method: clinical testing. Allele origin: germline.
Comment: The p.T1808I variant (also known as c.5423C>T), located in coding exon 35 of the ATM gene, results from a C to T substitution at nucleotide position 5423. The threonine at codon 1808 is replaced by isoleucine, an amino acid with similar properties. This amino acid position is not well conserved in available vertebrate species. In addition, this alteration is predicted to be tolerated by in silico analysis. Since supporting evidence is limited at this time, the clinical significance of this alteration remains unclear.

NM_000051.4(ATM):c.5423C>T (p.Thr1808Ile)

Gene: ATM (ATM serine/threonine kinase; plus strand). Cytogenetic location: 11q22.3.
Variant type: single nucleotide variant.
Coding change: c.5423C>T on transcript NM_000051.4 (MANE Select); coding-DNA position 5423, C replaced by T.
Protein change: p.Thr1808Ile; replaces threonine 1808 with isoleucine.
Molecular consequence: missense variant.
Genome position (GRCh38, 1-based): chr11:108,302,956, C>T. VCF-style: chr11-108302956-C-T. GRCh37 (hg19) VCF-style: chr11-108173683-C-T.
Other names: c.5423C>T, p.Thr1808Ile (NM_001351834.2); short protein forms T1808I.
Identifiers: ClinVar variation 1747451 (VCV001747451.2), dbSNP rs1387100443, ClinGen allele CA382543953.